The following is an entry in ClinVar:

NM_014681.6(DHX34):c.2419G>A (p.Gly807Ser)

Gene: DHX34 (DExH-box helicase 34; plus strand). Cytogenetic location: 19q13.32.
Variant type: single nucleotide variant.
Coding change: c.2419G>A on transcript NM_014681.6 (MANE Select); coding-DNA position 2419, G replaced by A.
Protein change: p.Gly807Ser; replaces glycine 807 with serine.
Molecular consequence: missense variant.
Genome position (GRCh38, 1-based): chr19:47,376,035, G>A. VCF-style: chr19-47376035-G-A. GRCh37 (hg19) VCF-style: chr19-47879292-G-A.
Other names: short protein forms G807S.
Identifiers: ClinVar variation 3044313 (VCV003044313.2), dbSNP rs144080741, ClinGen allele CA9538485.

ClinVar aggregate classification (germline): Benign (0 of 4 stars; one submission).

Conditions:
DHX34-related disorder. Also called: DHX34-related condition.

Allele frequency attached by ClinVar (database versions not stated): ESP Exome Variant Server 0.00016; gnomAD exomes 0.00089; gnomAD 0.00137; 1000 Genomes Project 0.00200; 1000 Genomes Project 30x 0.00219; TOPMed 0.00304; ExAC 0.00316.
gnomAD v4.1: 1,481 of 1,601,240 alleles (0.092%); highest among the groups gnomAD compares: Admixed American, 2.4%; 21 homozygotes.

Submission:

PreventionGenetics, part of Exact Sciences
Classification: Benign for DHX34-related condition. Last evaluated: 2019-11-05. Review status: no assertion criteria provided. Collection method: clinical testing. Allele origin: germline.
Comment: This variant is classified as benign based on ACMG/AMP sequence variant interpretation guidelines (Richards et al. 2015 PMID: 25741868, with internal and published modifications).